The following is an entry in ClinVar:

NM_004369.4(COL6A3):c.3371C>T (p.Ala1124Val)

Gene: COL6A3 (collagen type VI alpha 3 chain; minus strand). Cytogenetic location: 2q37.3.
Variant type: single nucleotide variant.
Coding change: c.3371C>T on transcript NM_004369.4 (MANE Select); coding-DNA position 3371, C replaced by T.
Protein change: p.Ala1124Val; replaces alanine 1124 with valine.
Molecular consequence: missense variant.
Genome position (GRCh38, 1-based): chr2:237,374,720, G>A on the plus strand (C>T on the coding strand, the complement: COL6A3 is on the minus strand). VCF-style: chr2-237374720-G-A. GRCh37 (hg19) VCF-style: chr2-238283363-G-A.
Other names: c.2150C>T, p.Ala717Val (NM_057164.5); c.2753C>T, p.Ala918Val (NM_057165.5, NM_057167.4); c.1550C>T, p.Ala517Val (NM_057166.5); short protein forms A1124V, A717V, A517V, A918V.
Identifiers: ClinVar variation 290337 (VCV000290337.25), dbSNP rs374447921, ClinGen allele CA2189180.
Genomic context (GRCh38, chr2:237,374,720, plus strand): 5'-GACCTGTCGGCCGTGAGGACGATCAGCAGCTGGGGCACACCTTCTGTTATCCTGCTTCCC[G>A]CAGAGCTGACCAGGATGTTCCTCAGGACAAACTCCAGGGCGGCCCCGGTGTTGGGGGTCG-3'
Protein context (NP_004360.2, residues 1114-1134): FVLRNILVSS[Ala1124Val]GSRITEGVPQ

ClinVar aggregate classification (germline): Conflicting classifications of pathogenicity. Review status: criteria provided, conflicting classifications (1 of 4 stars). 6 submissions from 6 submitters: Uncertain significance (4); Likely benign (2). Last evaluated 2026-02-01.

Conditions:
Collagen 6-related myopathy. Identifiers: MedGen CN117976, MONDO:0100225.
Bethlem myopathy 1A. Also called: Bethlem myopathy 1; Bethlem Muscular Dystrophy; MYOPATHY, BENIGN CONGENITAL, WITH CONTRACTURES. Identifiers: Orphanet 610, MedGen CN029274, MONDO:0024530, OMIM 158810.

Allele frequency attached by ClinVar (database versions not stated): gnomAD 0.00003; TOPMed 0.00004; ESP Exome Variant Server 0.00008; 1000 Genomes Project 30x 0.00016; 1000 Genomes Project 0.00020.
gnomAD v4.1: 31 of 1,613,318 alleles (0.0019%); highest among the groups gnomAD compares: Admixed American, 0.013%; no homozygotes.

Submissions (6):

CeGaT Center for Human Genetics Tuebingen
Classification: Uncertain significance. Last evaluated: 2026-02-01. Review status: criteria provided, single submitter. Criteria: CeGaT Center For Human Genetics Tuebingen Variant Classification Criteria Version 2. Collection method: clinical testing. Allele origin: germline. Affected: yes. Observed: 1 variant allele.
Comment: COL6A3: PM2, BP4

Labcorp Genetics (formerly Invitae), Labcorp
Classification: Likely benign for Bethlem myopathy 1A. Last evaluated: 2026-01-24. Review status: criteria provided, single submitter. Criteria: Invitae Variant Classification Sherloc (09022015). Collection method: clinical testing. Allele origin: germline.

Revvity Omics, Revvity
Classification: Uncertain significance. Last evaluated: 2024-11-03. Review status: criteria provided, single submitter. Criteria: ACMG Guidelines, 2015. Collection method: clinical testing. Allele origin: germline.

Greenwood Genetic Center Diagnostic Laboratories, Greenwood Genetic Center
Classification: Uncertain significance. Last evaluated: 2021-11-24. Review status: criteria provided, single submitter. Criteria: ACMG Guidelines, 2015. Collection method: clinical testing. Allele origin: germline. Affected: yes.
Comment: PM2

Illumina Laboratory Services, Illumina
Classification: Likely benign for Collagen VI-related myopathy. Last evaluated: 2018-01-13. Review status: criteria provided, single submitter. Criteria: ICSL Variant Classification Criteria 13 December 2019. Collection method: clinical testing. Allele origin: germline.
Comment: This variant was observed in the ICSL laboratory as part of a predisposition screen in an ostensibly healthy population. It had not been previously curated by ICSL or reported in the Human Gene Mutation Database (HGMD: prior to June 1st, 2018), and was therefore a candidate for classification through an automated scoring system. Utilizing variant allele frequency, disease prevalence and penetrance estimates, and inheritance mode, an automated score was calculated to assess if this variant is too frequent to cause the disease. Based on the score and internal cut-off values, a variant classified as likely benign is not then subjected to further curation. The score for this variant resulted in a classification of likely benign for this disease.

Eurofins Ntd Llc (ga)
Classification: Uncertain significance. Last evaluated: 2016-09-14. Review status: criteria provided, single submitter. Criteria: EGL Classification Definitions 2015. Collection method: clinical testing. Allele origin: germline. Observed: 2 variant alleles, 2 heterozygotes.